The following is an entry in ClinVar:

ClinVar aggregate classification (germline): Uncertain significance. Review status: criteria provided, multiple submitters, no conflicts (2 of 4 stars). 2 submissions from 2 submitters: Uncertain significance (2). Last evaluated 2025-10-03.

Allele frequency attached by ClinVar (database versions not stated): gnomAD exomes below 0.00001 and 0.00001; ExAC 0.00001; gnomAD 0.00002; TOPMed 0.00005.
gnomAD v4.1: 9 of 1,611,900 alleles (0.00056%); highest among the groups gnomAD compares: Admixed American, 0.0067%; no homozygotes.

Submissions (2):

Labcorp Genetics (formerly Invitae), Labcorp
Classification: Uncertain significance. Last evaluated: 2025-10-03. Review status: criteria provided, single submitter. Criteria: Invitae Variant Classification Sherloc (09022015). Collection method: clinical testing. Allele origin: germline.
Comment: This sequence change replaces valine, which is neutral and non-polar, with leucine, which is neutral and non-polar, at codon 885 of the ANLN protein (p.Val885Leu). This variant is present in population databases (rs778900368, gnomAD 0.006%). This variant has not been reported in the literature in individuals affected with ANLN-related conditions. ClinVar contains an entry for this variant (Variation ID: 1481902). An algorithm developed to predict the effect of missense changes on protein structure and function (PolyPhen-2) suggests that this variant is likely to be disruptive. In summary, the available evidence is currently insufficient to determine the role of this variant in disease. Therefore, it has been classified as a Variant of Uncertain Significance.

Ambry Genetics
Classification: Uncertain significance. Last evaluated: 2023-02-16. Review status: criteria provided, single submitter. Criteria: Ambry Variant Classification Scheme 2023. Collection method: clinical testing. Allele origin: germline.

NM_018685.5(ANLN):c.2653G>T (p.Val885Leu)

Gene: ANLN (anillin, actin binding protein; plus strand). Cytogenetic location: 7p14.2.
Variant type: single nucleotide variant.
Coding change: c.2653G>T on transcript NM_018685.5 (MANE Select); coding-DNA position 2653, G replaced by T.
Protein change: p.Val885Leu; replaces valine 885 with leucine.
Molecular consequence: missense variant.
Genome position (GRCh38, 1-based): chr7:36,424,686, G>T. VCF-style: chr7-36424686-G-T. GRCh37 (hg19) VCF-style: chr7-36464295-G-T.
Other names: c.2653G>T (NM_018685.2); c.2542G>T, p.Val848Leu (NM_001284301.3); c.2539G>T, p.Val847Leu (NM_001284302.3); short protein forms V848L, V885L, V847L.
Identifiers: ClinVar variation 1481902 (VCV001481902.9), dbSNP rs778900368, ClinGen allele CA4219924.